The following is an entry in ClinVar:

ClinVar aggregate classification (germline): Uncertain significance (1 of 4 stars; one submission).

Conditions:
Inborn genetic diseases. Identifiers: MedGen C0950123, MeSH D030342.

Submission:

Ambry Genetics
Classification: Uncertain significance for Inborn genetic diseases. Last evaluated: 2026-06-06. Review status: criteria provided, single submitter. Criteria: Ambry Variant Classification Scheme 2023. Collection method: clinical testing. Allele origin: germline.
Comment: The p.G29D variant (also known as c.86G>A), located in coding exon 1 of the SMAD6 gene, results from a G to A substitution at nucleotide position 86. The glycine at codon 29 is replaced by aspartic acid, an amino acid with similar properties. This amino acid position is conserved. In addition, this alteration is predicted to be tolerated by in silico analysis. Based on the available evidence, the clinical significance of this variant remains unclear.

NM_005585.5(SMAD6):c.86G>A (p.Gly29Asp)

Gene: SMAD6 (SMAD family member 6; plus strand). Cytogenetic location: 15q22.31.
Variant type: single nucleotide variant.
Coding change: c.86G>A on transcript NM_005585.5 (MANE Select); coding-DNA position 86, G replaced by A.
Protein change: p.Gly29Asp; replaces glycine 29 with aspartic acid.
Molecular consequence: missense variant. On other transcripts: non-coding transcript variant (1).
Genome position (GRCh38, 1-based): chr15:66,703,344, G>A. VCF-style: chr15-66703344-G-A. GRCh37 (hg19) VCF-style: chr15-66995682-G-A.
Other names: short protein forms G29D.
Identifiers: ClinVar variation 4864720 (VCV004864720.1).